The following is an entry in ClinVar:

ClinVar aggregate classification (germline): Uncertain significance (1 of 4 stars; one submission).

Submission:

Labcorp Genetics (formerly Invitae), Labcorp
Classification: Uncertain significance. Last evaluated: 2022-09-01. Review status: criteria provided, single submitter. Criteria: Invitae Variant Classification Sherloc (09022015). Collection method: clinical testing. Allele origin: germline.
Comment: This variant has not been reported in the literature in individuals affected with BPTF-related conditions. In summary, the available evidence is currently insufficient to determine the role of this variant in disease. Therefore, it has been classified as a Variant of Uncertain Significance. Algorithms developed to predict the effect of missense changes on protein structure and function output the following: SIFT: "Tolerated"; PolyPhen-2: "Benign"; Align-GVGD: "Class C0". The threonine amino acid residue is found in multiple mammalian species, which suggests that this missense change does not adversely affect protein function. This variant is not present in population databases (gnomAD no frequency). This sequence change replaces lysine, which is basic and polar, with threonine, which is neutral and polar, at codon 2379 of the BPTF protein (p.Lys2379Thr).

NM_182641.4(BPTF):c.6758A>C (p.Lys2253Thr)

Gene: BPTF (bromodomain PHD finger transcription factor; plus strand). Cytogenetic location: 17q24.2.
Variant type: single nucleotide variant.
Coding change: c.6758A>C on transcript NM_182641.4 (MANE Select); coding-DNA position 6758, A replaced by C.
Protein change: p.Lys2253Thr; replaces lysine 2253 with threonine.
Molecular consequence: missense variant.
Genome position (GRCh38, 1-based): chr17:67,945,466, A>C. VCF-style: chr17-67945466-A-C. GRCh37 (hg19) VCF-style: chr17-65941582-A-C.
Other names: c.7136A>C, p.Lys2379Thr (NM_004459.7); short protein forms K2253T, K2379T.
Identifiers: ClinVar variation 2122810 (VCV002122810.4), dbSNP rs868927054, ClinGen allele CA400723241.
Genomic context (GRCh38, chr17:67,945,466, plus strand): 5'-CAGGTACAGGTGAACAAAGGCAGAGTAAACTGTCACCCCAGATGCAGGTACATCAAGACA[A>C]AACCCTGCCACCAGCTCAGTCATCAAGTGTGGGTCCAGCAGAAGCCCAGCCACAGACTGC-3'
Protein context (NP_872579.2, residues 2243-2263): LSPQMQVHQD[Lys2253Thr]TLPPAQSSSV